The following is an entry in ClinVar:

ClinVar aggregate classification (germline): Uncertain significance (1 of 4 stars; one submission).

Conditions:
DICER1-related tumor predisposition. Also called: DICER1-related pleuropulmonary blastoma cancer predisposition syndrome; DICER1 syndrome. Identifiers: Orphanet 284343, MedGen C3839822, MONDO:0100216.

Submission:

Labcorp Genetics (formerly Invitae), Labcorp
Classification: Uncertain significance for DICER1-related tumor predisposition. Last evaluated: 2023-04-28. Review status: criteria provided, single submitter. Criteria: Invitae Variant Classification Sherloc (09022015). Collection method: clinical testing. Allele origin: germline.
Comment: This sequence change replaces alanine, which is neutral and non-polar, with proline, which is neutral and non-polar, at codon 1578 of the DICER1 protein (p.Ala1578Pro). This variant is not present in population databases (gnomAD no frequency). This variant has not been reported in the literature in individuals affected with DICER1-related conditions. Advanced modeling of protein sequence and biophysical properties (such as structural, functional, and spatial information, amino acid conservation, physicochemical variation, residue mobility, and thermodynamic stability) performed at Invitae indicates that this missense variant is not expected to disrupt DICER1 protein function. In summary, the available evidence is currently insufficient to determine the role of this variant in disease. Therefore, it has been classified as a Variant of Uncertain Significance.

NM_177438.3(DICER1):c.4732G>C (p.Ala1578Pro)

Gene: DICER1 (dicer 1, ribonuclease III; minus strand). Cytogenetic location: 14q32.13.
Variant type: single nucleotide variant.
Coding change: c.4732G>C on transcript NM_177438.3 (MANE Select); coding-DNA position 4732, G replaced by C.
Protein change: p.Ala1578Pro; replaces alanine 1578 with proline.
Molecular consequence: missense variant. On other transcripts: non-coding transcript variant (6).
Genome position (GRCh38, 1-based): chr14:95,096,188, C>G on the plus strand (G>C on the coding strand, the complement: DICER1 is on the minus strand). VCF-style: chr14-95096188-C-G. GRCh37 (hg19) VCF-style: chr14-95562525-C-G.
Other names: c.4732G>C, p.Ala1578Pro (NM_001195573.1, NM_001271282.3, NM_001291628.2 and 13 more transcripts); c.4450G>C, p.Ala1484Pro (NM_001395686.1); c.4327G>C, p.Ala1443Pro (NM_001395687.1, NM_001395688.1, NM_001395689.1 and 2 more transcripts); c.4165G>C, p.Ala1389Pro (NM_001395691.1); c.3049G>C, p.Ala1017Pro (NM_001395697.1); short protein forms A1017P, A1578P, A1443P, A1389P, A1484P.
Identifiers: ClinVar variation 2860226 (VCV002860226.3), dbSNP rs760830088, ClinGen allele CA390867402.